The following is an entry in ClinVar:

NM_000352.6(ABCC8):c.1647del (p.Ile550fs)

Gene: ABCC8 (ATP binding cassette subfamily C member 8; minus strand). Cytogenetic location: 11p15.1.
Variant type: Deletion.
Coding change: c.1647del on transcript NM_000352.6 (MANE Select); coding-DNA position 1647, one base deleted (C; older notation c.1647delC).
Protein change: p.Ile550fs; shifts the reading frame from isoleucine 550.
Molecular consequence: frameshift variant. On other transcripts: non-coding transcript variant (1).
Genome position (GRCh38, 1-based): chr11:17,432,228, G deleted on the plus strand (C on the coding strand, the reverse complement: ABCC8 is on the minus strand); the first of 2 consecutive G bases (chr11:17,432,228-17,432,229); deleting either gives the same sequence. VCF-style (leftmost placement, unchanged base first): chr11-17432227-TG-T. GRCh37 (hg19) VCF-style: chr11-17453774-TG-T.
Other names: c.1647delC (NM_000352.4); c.1647del, p.Ile550fs (NM_001287174.3, NM_001351295.2); c.1644del, p.Ile549fs (NM_001351296.2, NM_001351297.2); short protein forms I549fs, I550fs.
Identifiers: ClinVar variation 1076249 (VCV001076249.9), dbSNP rs2133554613, ClinGen allele CA2499220832.
Genomic context (GRCh38, chr11:17,432,227, plus strand): 5'-ACCCTACCCCCAAGAGATGGAGAAAGGATCCACTTACTATGAGGACAGCTGCAATGGGGA[TG>T]GCCGTGTTCATGAAAACTGCAGAGGAAGCACAGGGAGGCGTTTAGTGGGAGGAGCGTGAC-3'

ClinVar aggregate classification (germline): Pathogenic/Likely pathogenic. Review status: criteria provided, multiple submitters, no conflicts (2 of 4 stars). 3 submissions from 3 submitters: Pathogenic (1); Likely pathogenic (2). Last evaluated 2024-03-31.

Conditions:
Hereditary hyperinsulinism.
Leucine-induced hypoglycemia (LIH). Also called: LEUCINE-SENSITIVE HYPOGLYCEMIA OF INFANCY. Identifiers: MedGen C0271714, MONDO:0009415, OMIM 240800.
Diabetes mellitus, permanent neonatal 3. Also called: ABCC8-Related Permanent Neonatal Diabetes Mellitus. Identifiers: MedGen C5394303, MONDO:0030088, OMIM 618857.
Type 2 diabetes mellitus. Also called: Type II diabetes mellitus. Identifiers: MedGen C0011860, MeSH D003924, MONDO:0005148, OMIM 125853, HP:0005978.
Diabetes mellitus, transient neonatal, 2 (TNDM2). Identifiers: Orphanet 99886, MedGen C1835887, MONDO:0012480, OMIM 610374. Disease mechanism: loss of function.
Hyperinsulinemic hypoglycemia, familial, 1 (HHF1). Also called: Persistent Hyperinsulinemia Hypoglycemia of Infancy; Persistent hyperinsulinemic hypoglycemia of infancy; HYPERINSULINISM, FAMILIAL, WITH PANCREATIC NESIDIOBLASTOSIS; HYPOGLYCEMIA, HYPERINSULINEMIC, OF INFANCY; NESIDIOBLASTOSIS OF PANCREAS. Identifiers: Orphanet 276575, Orphanet 276598, MedGen C2931832, MONDO:0009734, OMIM 256450.

Submissions (3):

Natera, Inc.
Classification: Likely pathogenic for Hereditary hyperinsulinism. Last evaluated: 2024-03-31. Review status: criteria provided, single submitter. Criteria: Natera Variant Classification Schema (03/2026). Collection method: clinical testing. Allele origin: germline.
Comment: The c.1647delC variant in ABCC8 is a frameshift variant predicted to shift the reading frame beginning at codon 550 and leads to a stop codon 8 codons downstream. This variant is expected to result in nonsense mediated decay, truncation, or a dysfunctional protein product. This variant is rare in the general population with a frequency below the threshold expected for the associated phenotype(s). Given the available evidence, this variant is classified as Likely Pathogenic.

Labcorp Genetics (formerly Invitae), Labcorp
Classification: Pathogenic. Last evaluated: 2022-03-02. Review status: criteria provided, single submitter. Criteria: Invitae Variant Classification Sherloc (09022015). Collection method: clinical testing. Allele origin: germline.
Comment: This variant has not been reported in the literature in individuals affected with ABCC8-related conditions. For these reasons, this variant has been classified as Pathogenic. ClinVar contains an entry for this variant (Variation ID: 1076249). This variant is not present in population databases (gnomAD no frequency). This sequence change creates a premature translational stop signal (p.Ile550Serfs*8) in the ABCC8 gene. It is expected to result in an absent or disrupted protein product. Loss-of-function variants in ABCC8 are known to be pathogenic (PMID: 20685672, 23345197).

Fulgent Genetics
Classification: Likely pathogenic for Type 2 diabetes mellitus; Leucine-induced hypoglycemia; Hyperinsulinemic hypoglycemia, familial, 1; Diabetes mellitus, transient neonatal, 2; Diabetes mellitus, permanent neonatal 3. Last evaluated: 2022-01-19. Review status: criteria provided, single submitter. Criteria: ACMG Guidelines, 2015. Collection method: clinical testing. Allele origin: unknown.

Literature cited by the submitters: PubMed 20685672 (cited by Labcorp Genetics (formerly Invitae), Labcorp); PubMed 23345197 (cited by Labcorp Genetics (formerly Invitae), Labcorp).